The following is an entry in ClinVar:

NM_032638.5(GATA2):c.755A>G (p.Tyr252Cys)

Gene: GATA2 (GATA binding protein 2; minus strand). Cytogenetic location: 3q21.3.
Variant type: single nucleotide variant.
Coding change: c.755A>G on transcript NM_032638.5 (MANE Select); coding-DNA position 755, A replaced by G.
Protein change: p.Tyr252Cys; replaces tyrosine 252 with cysteine.
Molecular consequence: missense variant.
Genome position (GRCh38, 1-based): chr3:128,485,843, T>C on the plus strand (A>G on the coding strand, the complement: GATA2 is on the minus strand). VCF-style: chr3-128485843-T-C. GRCh37 (hg19) VCF-style: chr3-128204686-T-C.
Other names: c.755A>G, p.Tyr252Cys (NM_001145661.2, NM_001145662.1); short protein forms Y252C.
Identifiers: ClinVar variation 404082 (VCV000404082.12), dbSNP rs1060500090, ClinGen allele CA16611142.

ClinVar aggregate classification (germline): Uncertain significance. Review status: criteria provided, multiple submitters, no conflicts (2 of 4 stars). 3 submissions from 3 submitters: Uncertain significance (3). Last evaluated 2025-03-04.

Conditions:
Acute myeloid leukemia (AML). Also called: Leukemia, acute myeloid, somatic; Leukemia, acute myelogenous, somatic; Acute myeloid leukemia, adult; AML adult; Acute non-lymphocytic leukemia; Acute granulocytic leukemia. Identifiers: Orphanet 519, MedGen C0023467, MeSH D015470, MONDO:0018874, OMIM 601626, HP:0004808. Disease mechanism: Constitutively activated FLT3.
Deafness-lymphedema-leukemia syndrome. Also called: Emberger syndrome; Lymphedema, primary, with myelodysplasia. Identifiers: Orphanet 3226, MedGen C3279664, MONDO:0013540, OMIM 614038.
Monocytopenia with susceptibility to infections. Also called: MONOCYTOPENIA AND MYCOBACTERIAL INFECTION SYNDROME; MONOCYTOPENIA WITH SUSCEPTIBILITY TO MYCOBACTERIAL, FUNGAL, AND PAPILLOMAVIRUS INFECTIONS AND MYELODYSPLASIA; COMBINED IMMUNODEFICIENCY WITH SUSCEPTIBILITY TO MYCOBACTERIAL, VIRAL, AND FUNGAL INFECTIONS; Dendritic cell, monocyte, B lymphocyte, and natural killer lymphocyte deficiency; IMMUNODEFICIENCY 21; GATA2 DEFICIENCY. Identifiers: Orphanet 228423, MedGen C3280030, MONDO:0013607, OMIM 614172.

Allele frequency attached by ClinVar (database versions not stated): gnomAD exomes below 0.00001; TOPMed 0.00001; gnomAD 0.00002.
gnomAD v4.1: 5 of 1,613,668 alleles (0.00031%); highest among the groups gnomAD compares: African/African-American, 0.0067%; no homozygotes.

Submissions (3):

GeneDx
Classification: Uncertain significance. Last evaluated: 2025-03-04. Review status: criteria provided, single submitter. Criteria: GeneDx Variant Classification Process June 2021. Collection method: clinical testing. Allele origin: germline. Affected: yes.
Comment: Not observed at significant frequency in large population cohorts (gnomAD); In silico analysis supports that this missense variant has a deleterious effect on protein structure/function; Has not been previously published as pathogenic or benign to our knowledge

Baylor Genetics
Classification: Uncertain significance for Acute myeloid leukemia. Last evaluated: 2024-01-05. Review status: criteria provided, single submitter. Criteria: ACMG Guidelines, 2015. Collection method: clinical testing. Allele origin: unknown.

Labcorp Genetics (formerly Invitae), Labcorp
Classification: Uncertain significance for Monocytopenia with susceptibility to infections; Deafness-lymphedema-leukemia syndrome. Last evaluated: 2023-08-10. Review status: criteria provided, single submitter. Criteria: Invitae Variant Classification Sherloc (09022015). Collection method: clinical testing. Allele origin: germline.
Comment: This sequence change replaces tyrosine, which is neutral and polar, with cysteine, which is neutral and slightly polar, at codon 252 of the GATA2 protein (p.Tyr252Cys). This variant is present in population databases (no rsID available, gnomAD 0.007%). This variant has not been reported in the literature in individuals affected with GATA2-related conditions. ClinVar contains an entry for this variant (Variation ID: 404082). Advanced modeling of protein sequence and biophysical properties (such as structural, functional, and spatial information, amino acid conservation, physicochemical variation, residue mobility, and thermodynamic stability) has been performed at Invitae for this missense variant, however the output from this modeling did not meet the statistical confidence thresholds required to predict the impact of this variant on GATA2 protein function. In summary, the available evidence is currently insufficient to determine the role of this variant in disease. Therefore, it has been classified as a Variant of Uncertain Significance.